The following is an entry in ClinVar:

ClinVar aggregate classification (germline): Likely pathogenic (1 of 4 stars; one submission).

Conditions:
Generalized epilepsy with febrile seizures plus, type 9 (GEFSP9). Also called: GEFS+, TYPE 9. Identifiers: Orphanet 36387, MedGen C4015395, MONDO:0014517, OMIM 616172.

Submission:

Labcorp Genetics (formerly Invitae), Labcorp
Classification: Likely pathogenic for Generalized epilepsy with febrile seizures plus, type 9. Last evaluated: 2022-03-23. Review status: criteria provided, single submitter. Criteria: Invitae Variant Classification Sherloc (09022015). Collection method: clinical testing. Allele origin: germline.
Comment: Algorithms developed to predict the effect of sequence changes on RNA splicing suggest that this variant may disrupt the consensus splice site. ClinVar contains an entry for this variant (Variation ID: 963748). This variant has not been reported in the literature in individuals affected with STX1B-related conditions. This variant is not present in population databases (gnomAD no frequency). This sequence change affects an acceptor splice site in intron 8 of the STX1B gene. It is expected to disrupt RNA splicing. Variants that disrupt the donor or acceptor splice site typically lead to a loss of protein function (PMID: 16199547), and loss-of-function variants in STX1B are known to be pathogenic (PMID: 25362483). In summary, the currently available evidence indicates that the variant is pathogenic, but additional data are needed to prove that conclusively. Therefore, this variant has been classified as Likely Pathogenic.

Literature cited by the submitters: PubMed 16199547; PubMed 25362483.

NM_052874.5(STX1B):c.676-2A>G

Gene: STX1B (syntaxin 1B; minus strand). Cytogenetic location: 16p11.2.
Variant type: single nucleotide variant.
Coding change: c.676-2A>G on transcript NM_052874.5 (MANE Select); the canonical splice acceptor site of the intron before coding-DNA position 676, A replaced by G.
Molecular consequence: splice acceptor variant.
Genome position (GRCh38, 1-based): chr16:30,993,242, T>C on the plus strand (A>G on the coding strand, the complement: STX1B is on the minus strand). VCF-style: chr16-30993242-T-C. GRCh37 (hg19) VCF-style: chr16-31004563-T-C.
Identifiers: ClinVar variation 963748 (VCV000963748.8), dbSNP rs2056573081, ClinGen allele CA395647012.
Genomic context (GRCh38, chr16:30,993,242, plus strand): 5'-CGCTCCACGTAGTCCACAGAATGTTCCACGTTGTACTCGATGCGGTCAATCATCTCTCCC[T>C]GCAGACAGAGGAGACATGCACAGGGAGGGATGGGGGCTGGGCTGGAAGAGGGGACCTCAG-3'